The following is an entry in ClinVar:

ClinVar aggregate classification (germline): Uncertain significance (1 of 4 stars; one submission).

Submission:

GeneDx
Classification: Uncertain significance. Last evaluated: 2023-06-30. Review status: criteria provided, single submitter. Criteria: GeneDx Variant Classification Process June 2021. Collection method: clinical testing. Allele origin: germline. Affected: yes.
Comment: Not observed at significant frequency in large population cohorts (gnomAD); In silico analysis supports that this missense variant does not alter protein structure/function; Has not been previously published as pathogenic or benign to our knowledge

NM_001114748.2(TMEM240):c.465G>C (p.Met155Ile)

Gene: TMEM240 (transmembrane protein 240; minus strand). Cytogenetic location: 1p36.33.
Variant type: single nucleotide variant.
Coding change: c.465G>C on transcript NM_001114748.2 (MANE Select); coding-DNA position 465, G replaced by C.
Protein change: p.Met155Ile; replaces methionine 155 with isoleucine.
Molecular consequence: missense variant.
Genome position (GRCh38, 1-based): chr1:1,535,416, C>G on the plus strand (G>C on the coding strand, the complement: TMEM240 is on the minus strand). VCF-style: chr1-1535416-C-G. GRCh37 (hg19) VCF-style: chr1-1470796-C-G.
Other names: short protein forms M155I.
Identifiers: ClinVar variation 3360761 (VCV003360761.1).